The following is an entry in ClinVar:

ClinVar aggregate classification (germline): Uncertain significance (1 of 4 stars; one submission).

Conditions:
Inborn genetic diseases. Identifiers: MedGen C0950123, MeSH D030342.

Submission:

Ambry Genetics
Classification: Uncertain significance for Inborn genetic diseases. Last evaluated: 2021-07-13. Review status: criteria provided, single submitter. Criteria: Ambry Variant Classification Scheme 2023. Collection method: clinical testing. Allele origin: germline.
Comment: The p.L466V variant (also known as c.1396C>G), located in coding exon 6 of the ATR gene, results from a C to G substitution at nucleotide position 1396. The leucine at codon 466 is replaced by valine, an amino acid with highly similar properties. This amino acid position is conserved. In addition, this alteration is predicted to be tolerated by in silico analysis. Since supporting evidence is limited at this time, the clinical significance of this alteration remains unclear.

NM_001184.4(ATR):c.1396C>G (p.Leu466Val)

Gene: ATR (ATR checkpoint kinase; minus strand). Cytogenetic location: 3q23.
Variant type: single nucleotide variant.
Coding change: c.1396C>G on transcript NM_001184.4 (MANE Select); coding-DNA position 1396, C replaced by G.
Protein change: p.Leu466Val; replaces leucine 466 with valine.
Molecular consequence: missense variant. On other transcripts: intron variant (1).
Genome position (GRCh38, 1-based): chr3:142,560,408, G>C on the plus strand (C>G on the coding strand, the complement: ATR is on the minus strand). VCF-style: chr3-142560408-G-C. GRCh37 (hg19) VCF-style: chr3-142279250-G-C.
Other names: c.1349+835C>G (NM_001354579.2); short protein forms L466V.
Identifiers: ClinVar variation 1771648 (VCV001771648.2), dbSNP rs2108483220, ClinGen allele CA354822986.